The following is an entry in ClinVar:

NM_007294.4(BRCA1):c.1687C>A (p.Gln563Lys)

Gene: BRCA1 (BRCA1 DNA repair associated; minus strand). Cytogenetic location: 17q21.31.
Variant type: single nucleotide variant.
Coding change: c.1687C>A on transcript NM_007294.4 (MANE Select); coding-DNA position 1687, C replaced by A.
Protein change: p.Gln563Lys; replaces glutamine 563 with lysine.
Molecular consequence: missense variant. On other transcripts: intron variant (137).
Genome position (GRCh38, 1-based): chr17:43,093,844, G>T on the plus strand (C>A on the coding strand, the complement: BRCA1 is on the minus strand). VCF-style: chr17-43093844-G-T. GRCh37 (hg19) VCF-style: chr17-41245861-G-T.
Other names: c.1474C>A, p.Gln492Lys (NM_001407571.1, NM_001407853.1, NM_001407894.1 and 9 more transcripts); c.1687C>A, p.Gln563Lys (NM_001407581.1, NM_001407582.1, NM_001407583.1 and 30 more transcripts); c.1684C>A, p.Gln562Lys (NM_001407587.1, NM_001407590.1, NM_001407591.1 and 22 more transcripts); c.577+900C>A (NM_001408513.1, NM_001408489.1, NM_001408479.1 and 9 more transcripts); c.520+900C>A (NM_001408503.1, NM_001408505.1, NM_001408504.1); c.523+900C>A (NM_001408500.1, NM_001408497.1, NM_001408496.1 and 3 more transcripts); c.646+900C>A (NM_001408466.1, NM_001408452.1, NM_001408457.1 and 11 more transcripts); c.787+900C>A (NM_001407973.1, NM_001408403.1, NM_001407983.1 and 19 more transcripts); and 40 more; short protein forms Q563K, Q516K, Q475K, Q496K, Q560K, Q435K, Q451K, Q452K.
Identifiers: ClinVar variation 1407394 (VCV001407394.11), dbSNP rs80356898, ClinGen allele CA10598657.

ClinVar aggregate classification (germline): Conflicting classifications of pathogenicity. Review status: criteria provided, conflicting classifications (1 of 4 stars). 2 submissions from 2 submitters: Uncertain significance (1); Likely benign (1). Last evaluated 2023-03-23.

Conditions:
Hereditary cancer-predisposing syndrome. Also called: Hereditary neoplastic syndrome; Hereditary Cancer Syndrome; Neoplastic Syndromes, Hereditary; Tumor predisposition. Identifiers: Orphanet 140162, MedGen C0027672, MeSH D009386, MONDO:0015356.
Hereditary breast ovarian cancer syndrome. Also called: Hereditary breast and ovarian cancer syndrome; BRCA1- and BRCA2-Associated Hereditary Breast and Ovarian Cancer; Breast and ovarian cancer; Hereditary breast and/or ovarian cancer syndrome; Hereditary breast and ovarian cancer syndrome (HBOC); Hereditary breast and ovarian cancer. Identifiers: Orphanet 145, MedGen C0677776, MeSH D061325, MONDO:0003582. Disease mechanism: loss of function.

Submissions (2):

University of Washington Department of Laboratory Medicine, University of Washington
Classification: Likely benign for Hereditary cancer-predisposing syndrome. Last evaluated: 2023-03-23. Review status: criteria provided, single submitter. Criteria: Dines et al. (Genet Med. 2020). Collection method: curation. Allele origin: germline.
Comment: Missense variant in a coldspot region where missense variants are very unlikely to be pathogenic (PMID:31911673).

BRCA1 coldspot (exon 11 using historical exon numbering). Reclassification based on statistical prior probability

Labcorp Genetics (formerly Invitae), Labcorp
Classification: Uncertain significance for Hereditary breast ovarian cancer syndrome. Last evaluated: 2021-07-26. Review status: criteria provided, single submitter. Criteria: Invitae Variant Classification Sherloc (09022015). Collection method: clinical testing. Allele origin: germline.
Comment: In summary, the available evidence is currently insufficient to determine the role of this variant in disease. Therefore, it has been classified as a Variant of Uncertain Significance. Advanced modeling of protein sequence and biophysical properties (such as structural, functional, and spatial information, amino acid conservation, physicochemical variation, residue mobility, and thermodynamic stability) performed at Invitae indicates that this missense variant is not expected to disrupt BRCA1 protein function. This variant has not been reported in the literature in individuals affected with BRCA1-related conditions. This variant is not present in population databases (ExAC no frequency). This sequence change replaces glutamine with lysine at codon 563 of the BRCA1 protein (p.Gln563Lys). The glutamine residue is moderately conserved and there is a small physicochemical difference between glutamine and lysine.